The following is an entry in ClinVar:

NM_000078.3(CETP):c.1215-15G>T

Gene: CETP (cholesteryl ester transfer protein; plus strand). Cytogenetic location: 16q13.
Variant type: single nucleotide variant.
Coding change: c.1215-15G>T on transcript NM_000078.3 (MANE Select); 15 bases into the intron before coding-DNA position 1215, G replaced by T.
Molecular consequence: intron variant.
Genome position (GRCh38, 1-based): chr16:56,981,632, G>T. VCF-style: chr16-56981632-G-T. GRCh37 (hg19) VCF-style: chr16-57015544-G-T.
Other names: c.1035-15G>T (NM_001286085.2).
Identifiers: ClinVar variation 319994 (VCV000319994.14), dbSNP rs7196174, ClinGen allele CA8071293.

ClinVar aggregate classification (germline): Benign. Review status: criteria provided, multiple submitters, no conflicts (2 of 4 stars). 3 submissions from 3 submitters: Benign (3). Last evaluated 2026-02-02.

Conditions:
Hyperalphalipoproteinemia 1 (HALP1). Also called: CETP-Related Hyperalphalipoproteinemia; CETP DEFICIENCY. Identifiers: MedGen C3149462, OMIM 143470.

Allele frequency attached by ClinVar (database versions not stated): TOPMed 0.02032; ESP Exome Variant Server 0.02093; 1000 Genomes Project 0.02436; 1000 Genomes Project 30x 0.02452.
gnomAD v4.1: 5,611 of 1,613,768 alleles (0.35%); highest among the groups gnomAD compares: African/African-American, 6.5%; 186 homozygotes.

Submissions (3):

Labcorp Genetics (formerly Invitae), Labcorp
Classification: Benign. Last evaluated: 2026-02-02. Review status: criteria provided, single submitter. Criteria: Invitae Variant Classification Sherloc (09022015). Collection method: clinical testing. Allele origin: germline.

GeneDx
Classification: Benign. Last evaluated: 2019-05-14. Review status: criteria provided, single submitter. Criteria: GeneDx Variant Classification Process June 2021. Collection method: clinical testing. Allele origin: germline. Affected: yes.

Illumina Laboratory Services, Illumina
Classification: Benign for Hyperalphalipoproteinemia 1. Last evaluated: 2018-01-12. Review status: criteria provided, single submitter. Criteria: ICSL Variant Classification Criteria 13 December 2019. Collection method: clinical testing. Allele origin: germline.
Comment: This variant was observed in the ICSL laboratory as part of a predisposition screen in an ostensibly healthy population. It had not been previously curated by ICSL or reported in the Human Gene Mutation Database (HGMD: prior to June 1st, 2018), and was therefore a candidate for classification through an automated scoring system. Utilizing variant allele frequency, disease prevalence and penetrance estimates, and inheritance mode, an automated score was calculated to assess if this variant is too frequent to cause the disease. Based on the score and internal cut-off values, a variant classified as benign is not then subjected to further curation. The score for this variant resulted in a classification of benign for this disease.